The following is an entry in ClinVar:

NM_004523.4(KIF11):c.1280del (p.Gly427fs)

Gene: KIF11 (kinesin family member 11; plus strand). Cytogenetic location: 10q23.33.
Variant type: Deletion.
Coding change: c.1280del on transcript NM_004523.4 (MANE Select); coding-DNA position 1280, one base deleted (G; older notation c.1280delG).
Protein change: p.Gly427fs; shifts the reading frame from glycine 427.
Molecular consequence: frameshift variant.
Genome position (GRCh38, 1-based): chr10:92,628,870, G deleted; the last of 2 consecutive G bases (chr10:92,628,869-92,628,870); deleting either gives the same sequence. VCF-style (leftmost placement, unchanged base first): chr10-92628868-TG-T. GRCh37 (hg19) VCF-style: chr10-94388625-TG-T.
Other names: short protein forms G427fs.
Identifiers: ClinVar variation 817728 (VCV000817728.4), dbSNP rs1589600660, ClinGen allele CA915947505.
Genomic context (GRCh38, chr10:92,628,868, plus strand): 5'-AGTCATGAGTGGAAAATTAACTGTTCAAGAAGAGCAGATTGTAGAATTGATTGAAAAAAT[TG>T]GTGCTGTTGAGGAGGAGCTGAATAGGGTAAGCACTTAAAATGATATTTACTGTTATGTGA-3'

ClinVar aggregate classification (germline): Pathogenic/Likely pathogenic. Review status: criteria provided, multiple submitters, no conflicts (2 of 4 stars). 2 submissions from 2 submitters: Pathogenic (1); Likely pathogenic (1). Last evaluated 2023-05-22.

Submissions (2):

Labcorp Genetics (formerly Invitae), Labcorp
Classification: Pathogenic. Last evaluated: 2023-05-22. Review status: criteria provided, single submitter. Criteria: Invitae Variant Classification Sherloc (09022015). Collection method: clinical testing. Allele origin: germline.
Comment: For these reasons, this variant has been classified as Pathogenic. ClinVar contains an entry for this variant (Variation ID: 817728). This variant has not been reported in the literature in individuals affected with KIF11-related conditions. This variant is not present in population databases (gnomAD no frequency). This sequence change creates a premature translational stop signal (p.Gly427Valfs*7) in the KIF11 gene. It is expected to result in an absent or disrupted protein product. Loss-of-function variants in KIF11 are known to be pathogenic (PMID: 22284827, 24281367).

GeneDx
Classification: Likely pathogenic. Last evaluated: 2018-07-16. Review status: criteria provided, single submitter. Criteria: GeneDx Variant Classification (06012015). Collection method: clinical testing. Allele origin: germline. Affected: yes.
Comment: The c.1280delG variant in the KIF11gene has not been reported previously as a pathogenic variant nor as a benign variant, to our knowledge. The c.1280delG variant causes a frameshift starting with codon Glycine 427, changes this amino acid to a Valine residue, and creates a premature Stop codon at position 7 of the new reading frame, denoted p.Gly427ValfsX7. This variant is predicted to cause loss of normal protein function either through protein truncation or nonsense-mediated mRNA decay. The c.1280delG variant is not observed in large population cohorts (Lek et al., 2016). We interpret c.1280delG as a likely pathogenic variant.

Literature cited by the submitters: PubMed 22284827 (cited by Labcorp Genetics (formerly Invitae), Labcorp); PubMed 24281367 (cited by Labcorp Genetics (formerly Invitae), Labcorp).